The following is an entry in ClinVar:

NM_000245.4(MET):c.2971C>T (p.Pro991Ser)

Gene: MET (MET proto-oncogene, receptor tyrosine kinase; plus strand). Cytogenetic location: 7q31.2.
Variant type: single nucleotide variant.
Coding change: c.2971C>T on transcript NM_000245.4 (MANE Select); coding-DNA position 2971, C replaced by T.
Protein change: p.Pro991Ser; replaces proline 991 with serine.
Molecular consequence: missense variant.
Genome position (GRCh38, 1-based): chr7:116,771,932, C>T. VCF-style: chr7-116771932-C-T. GRCh37 (hg19) VCF-style: chr7-116411986-C-T.
Other names: c.3025C>T (LRG_662t1); c.3025C>T, p.Pro1009Ser (NM_001127500.3); c.1681C>T, p.Pro561Ser (NM_001324402.2); short protein forms P1009S, P561S, P991S.
Identifiers: ClinVar variation 411918 (VCV000411918.21), dbSNP rs768678989, ClinGen allele CA4448619.
Genomic context (GRCh38, chr7:116,771,932, plus strand): 5'-TACGATGCAAGAGTACACACTCCTCATTTGGATAGGCTTGTAAGTGCCCGAAGTGTAAGC[C>T]CAACTACAGAAATGGTTTCAAATGAATCTGTAGACTACCGAGCTACTTTTCCAGAAGGTA-3'
Protein context (NP_000236.2, residues 981-1001): DRLVSARSVS[Pro991Ser]TTEMVSNESV

ClinVar aggregate classification (germline): Conflicting classifications of pathogenicity. Review status: criteria provided, conflicting classifications (1 of 4 stars). 5 submissions from 5 submitters: Uncertain significance (3); Benign (1); Likely benign (1). Last evaluated 2025-11-25.

Conditions:
Osteofibrous dysplasia (OSFD). Also called: Tibia, bowing of, with pseudarthrosis and pectus excavatum. Identifiers: Orphanet 488265, MedGen C4085248, MONDO:0011806, OMIM 607278.
Renal cell carcinoma. Identifiers: Orphanet 217071, MedGen C0007134, MeSH D002292, MONDO:0005086, HP:0005584.
Hereditary cancer-predisposing syndrome. Also called: Tumor predisposition; Hereditary Cancer Syndrome; Hereditary neoplastic syndrome; Neoplastic Syndromes, Hereditary. Identifiers: Orphanet 140162, MedGen C0027672, MeSH D009386, MONDO:0015356.
Papillary renal cell carcinoma type 1 (RCCP1). Also called: RENAL CELL CARCINOMA, PAPILLARY, 1, SOMATIC; Renal adenocarcinoma; Renal cell carcinoma 1; Renal cell carcinoma, somatic. Identifiers: Orphanet 47044, MedGen C1336839, OMIM 605074, HP:0011797.

Allele frequency attached by ClinVar (database versions not stated): ExAC 0.00003; gnomAD exomes 0.00003.
gnomAD v4.1: 19 of 1,613,818 alleles (0.0012%); highest among the groups gnomAD compares: East Asian, 0.042%; no homozygotes.

Submissions (5):

Labcorp Genetics (formerly Invitae), Labcorp
Classification: Likely benign for Renal cell carcinoma. Last evaluated: 2025-11-25. Review status: criteria provided, single submitter. Criteria: Invitae Variant Classification Sherloc (09022015). Collection method: clinical testing. Allele origin: germline.

Ambry Genetics
Classification: Benign for Hereditary cancer-predisposing syndrome. Last evaluated: 2024-08-21. Review status: criteria provided, single submitter. Criteria: Ambry Variant Classification Scheme 2023. Collection method: clinical testing. Allele origin: germline.

Baylor Genetics
Classification: Uncertain significance for Osteofibrous dysplasia. Last evaluated: 2021-05-25. Review status: criteria provided, single submitter. Criteria: ACMG Guidelines, 2015. Collection method: clinical testing. Allele origin: paternal. Affected: yes. Study: CSER-TexasKidsCanSeq.
Comment: This variant was determined to be of uncertain significance according to ACMG Guidelines, 2015 [PMID:25741868].

GeneDx
Classification: Uncertain significance. Last evaluated: 2021-04-07. Review status: criteria provided, single submitter. Criteria: GeneDx Variant Classification Process June 2021. Collection method: clinical testing. Allele origin: germline. Affected: yes.
Comment: In silico analysis supports that this missense variant does not alter protein structure/function; Published functional studies demonstrate a damaging effect: increased and persistent tyrosine phosphorylation, colony formation in soft agar, and tumorgeneis in athymic mice (Lee 2000); This variant is associated with the following publications: (PMID: 11042681)

Illumina Laboratory Services, Illumina
Classification: Uncertain significance for Papillary renal cell carcinoma type 1. Last evaluated: 2017-04-27. Review status: criteria provided, single submitter. Criteria: ICSL Variant Classification Criteria 13 December 2019. Collection method: clinical testing. Allele origin: germline.

Literature cited by the submitters: PubMed 11042681 (cited by Ambry Genetics); PubMed 12920089 (cited by Ambry Genetics); PubMed 14559814 (cited by Ambry Genetics); PubMed 15592501 (cited by Ambry Genetics).